The following is an entry in ClinVar:

NM_001194.4(HCN2):c.1816T>C (p.Tyr606His)

Gene: HCN2 (hyperpolarization activated cyclic nucleotide gated potassium and sodium channel 2; plus strand). Cytogenetic location: 19p13.3.
Variant type: single nucleotide variant.
Coding change: c.1816T>C on transcript NM_001194.4 (MANE Select); coding-DNA position 1816, T replaced by C.
Protein change: p.Tyr606His; replaces tyrosine 606 with histidine.
Molecular consequence: missense variant.
Genome position (GRCh38, 1-based): chr19:613,479, T>C. VCF-style: chr19-613479-T-C. GRCh37 (hg19) VCF-style: chr19-613479-T-C.
Other names: short protein forms Y606H.
Identifiers: ClinVar variation 4292099 (VCV004292099.1).
Genomic context (GRCh38, chr19:613,479, plus strand): 5'-CACGGCGTGGTCAGCGTGCTCACTAAGGGCAACAAGGAGATGAAGCTGTCCGATGGCTCC[T>C]ACTTCGGGGGTGAGCTTGAGGGGGGCGCGCCTGGAGGGGGAGGGGGCACGCGACCCCCGC-3'
Protein context (NP_001185.3, residues 596-616): NKEMKLSDGS[Tyr606His]FGEICLLTRG

ClinVar aggregate classification (germline): Uncertain significance (1 of 4 stars; one submission).

Conditions:
Epilepsy, idiopathic generalized, susceptibility to, 17 (EIG17). Identifiers: MedGen C5561931, MONDO:0100519, OMIM 602477.

Submission:

3billion
Classification: Uncertain significance for Epilepsy, idiopathic generalized, susceptibility to, 17. Last evaluated: 2024-07-23. Review status: criteria provided, single submitter. Criteria: ACMG Guidelines, 2015. Collection method: clinical testing. Allele origin: germline. Affected: yes.
Comment: The variant is not observed in the gnomAD v4.0.0 dataset. Predicted Consequence/Location: Missense changes are a common disease-causing mechanism. In silico tool predictions suggest damaging effect of the variant on gene or gene product [REVEL: 0.88 (>=0.6, sensitivity 0.68 and specificity 0.92)]. Therefore, this variant is classified as VUS according to the recommendation of ACMG/AMP guideline.